The following is an entry in ClinVar:

ClinVar aggregate classification (germline): Likely pathogenic (1 of 4 stars; one submission).

Conditions:
Alport syndrome. Also called: Hemorrhagic familial nephritis; Hemorrhagic hereditary nephritis; Congenital hereditary hematuria. Identifiers: Orphanet 63, MedGen C1567741, MONDO:0018965.

Submission:

Natera, Inc.
Classification: Likely pathogenic for Alport syndrome. Last evaluated: 2025-08-31. Review status: criteria provided, single submitter. Criteria: Natera Variant Classification Schema (03/2026). Collection method: clinical testing. Allele origin: germline.
Comment: The c.2887G>T variant in COL4A4 is a nonsense variant predicted to introduce a stop codon at amino acid 963. This variant is expected to result in nonsense mediated decay, truncation, or a dysfunctional protein product. This variant is rare in the general population with a frequency below the threshold expected for the associated phenotype(s). Given the available evidence, this variant is classified as Likely Pathogenic.

NM_000092.5(COL4A4):c.2887G>T (p.Gly963Ter)

Gene: COL4A4 (collagen type IV alpha 4 chain; minus strand). Cytogenetic location: 2q36.3.
Variant type: single nucleotide variant.
Coding change: c.2887G>T on transcript NM_000092.5 (MANE Select); coding-DNA position 2887, G replaced by T.
Protein change: p.Gly963Ter; replaces glycine 963 with a stop codon.
Molecular consequence: nonsense.
Genome position (GRCh38, 1-based): chr2:227,052,386, C>A on the plus strand (G>T on the coding strand, the complement: COL4A4 is on the minus strand). VCF-style: chr2-227052386-C-A. GRCh37 (hg19) VCF-style: chr2-227917102-C-A.
Other names: short protein forms G963*.
Identifiers: ClinVar variation 4817319 (VCV004817319.1).